The following is an entry in ClinVar:

NM_001329943.3(KIAA0586):c.1490A>G (p.Asn497Ser)

Gene: KIAA0586 (KIAA0586; plus strand). Cytogenetic location: 14q23.1.
Variant type: single nucleotide variant.
Coding change: c.1490A>G on transcript NM_001329943.3 (MANE Select); coding-DNA position 1490, A replaced by G.
Protein change: p.Asn497Ser; replaces asparagine 497 with serine.
Molecular consequence: missense variant.
Genome position (GRCh38, 1-based): chr14:58,457,886, A>G. VCF-style: chr14-58457886-A-G. GRCh37 (hg19) VCF-style: chr14-58924604-A-G.
Other names: c.1649A>G, p.Asn550Ser (NM_001244189.2); c.1445A>G, p.Asn482Ser (NM_001244190.2); c.1235A>G, p.Asn412Ser (NM_001244191.2, NM_001329945.2, NM_001364700.1 and 1 more transcripts); c.1358A>G, p.Asn453Ser (NM_001244192.2); c.1070A>G, p.Asn357Ser (NM_001244193.2); c.1490A>G, p.Asn497Ser (NM_001329944.2, NM_001329946.2, NM_001329947.2 and 1 more transcripts); c.1649A>G (NM_001244189.1); c.1490A>G (NM_014749.3); short protein forms N357S, N412S, N453S, N482S, N497S, N550S.
Identifiers: ClinVar variation 1017866 (VCV001017866.6), dbSNP rs753633031, ClinGen allele CA7205667.

ClinVar aggregate classification (germline): Uncertain significance. Review status: criteria provided, multiple submitters, no conflicts (2 of 4 stars). 3 submissions from 3 submitters: Uncertain significance (3). Last evaluated 2025-06-07.

Conditions:
Inborn genetic diseases. Identifiers: MedGen C0950123, MeSH D030342.
Joubert syndrome 23 (JBTS23). Identifiers: Orphanet 475, MedGen C4084822, MONDO:0014664, OMIM 616490.
Short-rib thoracic dysplasia 14 with polydactyly (SRTD14). Identifiers: Orphanet 397715, MedGen C4225286, MONDO:0014688, OMIM 616546.

Allele frequency attached by ClinVar (database versions not stated): ExAC 0.00010; gnomAD 0.00014 and 0.00013; gnomAD exomes 0.00002 and 0.00005; TOPMed 0.00015.
gnomAD v4.1: 48 of 1,607,312 alleles (0.003%); highest among the groups gnomAD compares: African/African-American, 0.043%; no homozygotes.

Submissions (3):

Ambry Genetics
Classification: Uncertain significance for Inborn genetic diseases. Last evaluated: 2025-06-07. Review status: criteria provided, single submitter. Criteria: Ambry Variant Classification Scheme 2023. Collection method: clinical testing. Allele origin: germline.

GeneDx
Classification: Uncertain significance. Last evaluated: 2023-11-27. Review status: criteria provided, single submitter. Criteria: GeneDx Variant Classification Process June 2021. Collection method: clinical testing. Allele origin: germline. Affected: yes.
Comment: In silico analysis supports that this missense variant has a deleterious effect on protein structure/function; Has not been previously published as pathogenic or benign to our knowledge

Labcorp Genetics (formerly Invitae), Labcorp
Classification: Uncertain significance for Joubert syndrome 23; Short-rib thoracic dysplasia 14 with polydactyly. Last evaluated: 2022-11-01. Review status: criteria provided, single submitter. Criteria: Invitae Variant Classification Sherloc (09022015). Collection method: clinical testing. Allele origin: germline.
Comment: This sequence change replaces asparagine, which is neutral and polar, with serine, which is neutral and polar, at codon 550 of the KIAA0586 protein (p.Asn550Ser). This variant is present in population databases (rs753633031, gnomAD 0.07%). This variant has not been reported in the literature in individuals affected with KIAA0586-related conditions. Advanced modeling of protein sequence and biophysical properties (such as structural, functional, and spatial information, amino acid conservation, physicochemical variation, residue mobility, and thermodynamic stability) performed at Invitae indicates that this missense variant is not expected to disrupt KIAA0586 protein function. In summary, the available evidence is currently insufficient to determine the role of this variant in disease. Therefore, it has been classified as a Variant of Uncertain Significance.